The following is an entry in ClinVar:

NM_006767.4(LZTR1):c.516_517insT (p.Val173fs)

Gene: LZTR1 (leucine zipper like post translational regulator 1; plus strand). Cytogenetic location: 22q11.21.
Variant type: Insertion.
Coding change: c.516_517insT on transcript NM_006767.4 (MANE Select); coding-DNA positions 516 to 517, T inserted.
Protein change: p.Val173fs; shifts the reading frame from valine 173.
Molecular consequence: frameshift variant.
Genome position: GRCh38 VCF-style: chr22-20988795-A-AT. GRCh37 (hg19) VCF-style: chr22-21343084-A-AT.
Other names: short protein forms V173fs.
Identifiers: ClinVar variation 1176007 (VCV001176007.38), dbSNP rs1472913919, ClinGen allele CA751578459.

ClinVar aggregate classification (germline): Pathogenic/Likely pathogenic. Review status: criteria provided, multiple submitters, no conflicts (2 of 4 stars). 3 submissions from 3 submitters: Pathogenic (2); Likely pathogenic (1). Last evaluated 2024-03-11.

Conditions:
LZTR1-related schwannomatosis. Also called: Schwannomatosis-2, susceptibility to; Schwannomatosis 2. Identifiers: Orphanet 93921, MedGen C3810283, MONDO:0014299, OMIM 615670.

Allele frequency attached by ClinVar (database versions not stated): gnomAD exomes below 0.00001; TOPMed below 0.00001; gnomAD 0.00001.

Submissions (3):

Baylor Genetics
Classification: Likely pathogenic for LZTR1-related schwannomatosis. Last evaluated: 2024-03-11. Review status: criteria provided, single submitter. Criteria: ACMG Guidelines, 2015. Collection method: clinical testing. Allele origin: unknown.

Labcorp Genetics (formerly Invitae), Labcorp
Classification: Pathogenic. Last evaluated: 2023-12-27. Review status: criteria provided, single submitter. Criteria: Invitae Variant Classification Sherloc (09022015). Collection method: clinical testing. Allele origin: germline.
Comment: This sequence change creates a premature translational stop signal (p.Val173Cysfs*3) in the LZTR1 gene. It is expected to result in an absent or disrupted protein product. Loss-of-function variants in LZTR1 are known to be pathogenic (PMID: 24362817, 25335493, 25480913, 25795793, 29469822, 30368668, 30442762, 30442766, 30481304, 30859559). This variant is not present in population databases (gnomAD no frequency). This variant has not been reported in the literature in individuals affected with LZTR1-related conditions. ClinVar contains an entry for this variant (Variation ID: 1176007). For these reasons, this variant has been classified as Pathogenic.

CeGaT Center for Human Genetics Tuebingen
Classification: Pathogenic. Last evaluated: 2021-10-01. Review status: criteria provided, single submitter. Criteria: CeGaT Center For Human Genetics Tuebingen Variant Classification Criteria Version 2. Collection method: clinical testing. Allele origin: germline. Affected: yes. Observed: 2 variant alleles.

Literature cited by the submitters: PubMed 24362817 (cited by Labcorp Genetics (formerly Invitae), Labcorp); PubMed 25335493 (cited by Labcorp Genetics (formerly Invitae), Labcorp); PubMed 25480913 (cited by Labcorp Genetics (formerly Invitae), Labcorp); PubMed 25795793 (cited by Labcorp Genetics (formerly Invitae), Labcorp); PubMed 29469822 (cited by Labcorp Genetics (formerly Invitae), Labcorp); PubMed 30368668 (cited by Labcorp Genetics (formerly Invitae), Labcorp); PubMed 30442762 (cited by Labcorp Genetics (formerly Invitae), Labcorp); PubMed 30442766 (cited by Labcorp Genetics (formerly Invitae), Labcorp); PubMed 30481304 (cited by Labcorp Genetics (formerly Invitae), Labcorp); PubMed 30859559 (cited by Labcorp Genetics (formerly Invitae), Labcorp).